The following is an entry in ClinVar:

NM_002439.5(MSH3):c.296dup (p.Lys100fs)

Gene: MSH3 (mutS homolog 3; plus strand). Cytogenetic location: 5q14.1.
Variant type: Duplication.
Coding change: c.296dup on transcript NM_002439.5 (MANE Select); coding-DNA position 296, one base duplicated (A; older notation c.296dupA).
Protein change: p.Lys100fs; shifts the reading frame from lysine 100.
Molecular consequence: frameshift variant.
Genome position (GRCh38, 1-based): chr5:80,656,469, A duplicated; the last of 5 consecutive A bases (chr5:80,656,465-80,656,469); duplicating any one gives the same sequence. VCF-style (leftmost placement, unchanged base first): chr5-80656464-T-TA. GRCh37 (hg19) VCF-style: chr5-79952283-T-TA.
Other names: short protein forms K100fs.
Identifiers: ClinVar variation 822397 (VCV000822397.15), dbSNP rs1580540688, ClinGen allele CA915943427.

ClinVar aggregate classification (germline): Pathogenic/Likely pathogenic. Review status: criteria provided, multiple submitters, no conflicts (2 of 4 stars). 5 submissions from 5 submitters: Pathogenic (3); Likely pathogenic (2). Last evaluated 2025-06-25.

Conditions:
Endometrial carcinoma. Also called: Endometrial carcinoma, somatic. Identifiers: MedGen C0476089, MONDO:0002447, OMIM 608089, HP:0012114.
Familial adenomatous polyposis 4 (FAP4). Also called: MSH3-related attenuated familial adenomatous polyposis. Identifiers: Orphanet 480536, MedGen C4310719, MONDO:0044300, OMIM 617100.
Hereditary cancer-predisposing syndrome. Also called: Tumor predisposition; Hereditary Cancer Syndrome; Neoplastic Syndromes, Hereditary; Hereditary neoplastic syndrome. Identifiers: Orphanet 140162, MedGen C0027672, MeSH D009386, MONDO:0015356.

Submissions (5):

Quest Diagnostics Nichols Institute San Juan Capistrano
Classification: Likely pathogenic. Last evaluated: 2025-06-25. Review status: criteria provided, single submitter. Criteria: Quest Diagnostics criteria. Collection method: clinical testing. Allele origin: unknown.
Comment: The MSH3 c.296dup (p.Lys100Glufs*13) variant alters the translational reading frame of the MSH3 mRNA and is predicted to cause the premature termination of MSH3 protein synthesis. This variant has not been reported in individuals with MSH3-related conditions in the published literature. It also has not been reported in large, multi-ethnic general populations (Genome Aggregation Database). Based on the available information, this variant is classified as likely pathogenic.

Labcorp Genetics (formerly Invitae), Labcorp
Classification: Pathogenic. Last evaluated: 2025-01-21. Review status: criteria provided, single submitter. Criteria: Invitae Variant Classification Sherloc (09022015). Collection method: clinical testing. Allele origin: germline.
Comment: This sequence change creates a premature translational stop signal (p.Lys100Glufs*13) in the MSH3 gene. It is expected to result in an absent or disrupted protein product. Loss-of-function variants in MSH3 are known to be pathogenic (PMID: 27476653, 37402566). This variant is not present in population databases (gnomAD no frequency). This variant has not been reported in the literature in individuals affected with MSH3-related conditions. ClinVar contains an entry for this variant (Variation ID: 822397). For these reasons, this variant has been classified as Pathogenic.

Baylor Genetics
Classification: Likely pathogenic for Endometrial carcinoma. Last evaluated: 2024-03-11. Review status: criteria provided, single submitter. Criteria: ACMG Guidelines, 2015. Collection method: clinical testing. Allele origin: unknown.

Myriad Genetics, Inc.
Classification: Pathogenic for Familial adenomatous polyposis 4. Last evaluated: 2023-08-29. Review status: criteria provided, single submitter. Criteria: Myriad Autosomal Dominant, Autosomal Recessive and X-Linked Classification Criteria (2023). Collection method: clinical testing. Allele origin: unknown.
Comment: This variant is considered pathogenic. This variant creates a frameshift predicted to result in premature protein truncation.

Ambry Genetics
Classification: Pathogenic for Hereditary cancer-predisposing syndrome. Last evaluated: 2022-07-29. Review status: criteria provided, single submitter. Criteria: Ambry Variant Classification Scheme 2023. Collection method: clinical testing. Allele origin: germline.
Comment: The c.296dupA pathogenic mutation, located in coding exon 2 of the MSH3 gene, results from a duplication of A at nucleotide position 296, causing a translational frameshift with a predicted alternate stop codon (p.K100Efs*13). This variant is considered to be rare based on population cohorts in the Genome Aggregation Database (gnomAD). This alteration is expected to result in loss of function by premature protein truncation or nonsense-mediated mRNA decay. As such, this alteration is interpreted as a disease-causing mutation.

Literature cited by the submitters: PubMed 27476653 (cited by Labcorp Genetics (formerly Invitae), Labcorp); PubMed 37402566 (cited by Labcorp Genetics (formerly Invitae), Labcorp).